The following is an entry in ClinVar:

NM_014629.4(ARHGEF10):c.3703G>C (p.Gly1235Arg)

Gene: ARHGEF10 (Rho guanine nucleotide exchange factor 10; plus strand). Cytogenetic location: 8p23.3.
Variant type: single nucleotide variant.
Coding change: c.3703G>C on transcript NM_014629.4 (MANE Select); coding-DNA position 3703, G replaced by C.
Protein change: p.Gly1235Arg; replaces glycine 1235 with arginine.
Molecular consequence: missense variant.
Genome position (GRCh38, 1-based): chr8:1,956,931, G>C. VCF-style: chr8-1956931-G-C. GRCh37 (hg19) VCF-style: chr8-1905097-G-C.
Other names: c.3589G>C, p.Gly1197Arg (NM_001308152.2); c.3703G>C, p.Gly1235Arg (NM_001308153.3); short protein forms G1259R, G1197R, G1235R.
Identifiers: ClinVar variation 2963767 (VCV002963767.3), dbSNP rs1204142284, ClinGen allele CA369958237.

ClinVar aggregate classification (germline): Uncertain significance (1 of 4 stars; one submission).

Allele frequency attached by ClinVar (database versions not stated): TOPMed 0.00001.
gnomAD v4.1: 3 of 1,614,184 alleles (0.00019%); highest among the groups gnomAD compares: Non-Finnish European, 0.00025%; no homozygotes.

Submission:

Labcorp Genetics (formerly Invitae), Labcorp
Classification: Uncertain significance. Last evaluated: 2023-02-14. Review status: criteria provided, single submitter. Criteria: Invitae Variant Classification Sherloc (09022015). Collection method: clinical testing. Allele origin: germline.
Comment: In summary, the available evidence is currently insufficient to determine the role of this variant in disease. Therefore, it has been classified as a Variant of Uncertain Significance. Algorithms developed to predict the effect of missense changes on protein structure and function (SIFT, PolyPhen-2, Align-GVGD) all suggest that this variant is likely to be tolerated. This variant has not been reported in the literature in individuals affected with ARHGEF10-related conditions. This variant is not present in population databases (gnomAD no frequency). This sequence change replaces glycine, which is neutral and non-polar, with arginine, which is basic and polar, at codon 1235 of the ARHGEF10 protein (p.Gly1235Arg).